The following is an entry in ClinVar:

ClinVar aggregate classification (germline): Likely benign. Review status: criteria provided, single submitter (1 of 4 stars). 2 submissions from 2 submitters: Likely benign (1). 1 of the submissions does not count toward it. Last evaluated 2023-09-14.

Conditions:
BRCA1-related disorder. Also called: BRCA1-related condition.

Allele frequency attached by ClinVar (database versions not stated): gnomAD exomes 0.00001; TOPMed 0.00006; gnomAD 0.00007.

Submissions (2):

Blueprint Genetics
Classification: Likely benign. Last evaluated: 2023-09-14. Review status: criteria provided, single submitter. Criteria: ACMG Guidelines, 2015. Collection method: clinical testing. Allele origin: germline.

PreventionGenetics, part of Exact Sciences
Classification: Likely benign for BRCA1-related condition. Last evaluated: 2019-05-21. Review status: no assertion criteria provided. Collection method: clinical testing. Allele origin: germline. Not counted in ClinVar's aggregate classification.
Comment: This variant is classified as likely benign based on ACMG/AMP sequence variant interpretation guidelines (Richards et al. 2015 PMID: 25741868, with internal and published modifications).

NM_007294.4(BRCA1):c.5468-41A>G

Gene: BRCA1 (BRCA1 DNA repair associated; minus strand). Cytogenetic location: 17q21.31.
Variant type: single nucleotide variant.
Coding change: c.5468-41A>G on transcript NM_007294.4 (MANE Select); 41 bases into the intron before coding-DNA position 5468, A replaced by G.
Molecular consequence: intron variant.
Genome position (GRCh38, 1-based): chr17:43,045,843, T>C on the plus strand (A>G on the coding strand, the complement: BRCA1 is on the minus strand). VCF-style: chr17-43045843-T-C. GRCh37 (hg19) VCF-style: chr17-41197860-T-C.
Other names: c.2015-41A>G (NM_001408458.1, NM_001408461.1, NM_001408464.1 and 7 more transcripts); c.4577-41A>G (NM_001407967.1); c.5087-41A>G (NM_001407959.1); c.5201-41A>G (NM_001407931.1, NM_001407932.1, NM_001407928.1 and 4 more transcripts); c.5324-41A>G (NM_001407747.1, NM_001407745.1, NM_001407737.1 and 18 more transcripts); c.5084-41A>G (NM_001407962.1, NM_001407960.1); c.1655-41A>G (NM_001408512.1); c.1778-41A>G (NM_001408510.1); and 83 more.
Identifiers: ClinVar variation 3041934 (VCV003041934.3), dbSNP rs1003493421, ClinGen allele CA290815602.